The following is an entry in ClinVar:

ClinVar aggregate classification (germline): Conflicting classifications of pathogenicity. Review status: criteria provided, conflicting classifications (1 of 4 stars). 3 submissions from 3 submitters: Likely pathogenic (2); Uncertain significance (1). Last evaluated 2024-11-04.

Conditions:
Cardiovascular phenotype. Identifiers: MedGen CN230736.
Dilated cardiomyopathy 1G (CMD1G). Identifiers: Orphanet 154, MedGen C1858763, MONDO:0011400, OMIM 604145.
Autosomal recessive limb-girdle muscular dystrophy type 2J (LGMDR10). Also called: Limb-girdle muscular dystrophy, type 2J; MUSCULAR DYSTROPHY, LIMB-GIRDLE, AUTOSOMAL RECESSIVE 10. Identifiers: Orphanet 140922, MedGen C1837342, MONDO:0012127, OMIM 608807.

Submissions (3):

Labcorp Genetics (formerly Invitae), Labcorp
Classification: Likely pathogenic for Dilated cardiomyopathy 1G; Autosomal recessive limb-girdle muscular dystrophy type 2J. Last evaluated: 2024-11-04. Review status: criteria provided, single submitter. Criteria: Invitae Variant Classification Sherloc (09022015). Collection method: clinical testing. Allele origin: germline.
Comment: This sequence change creates a premature translational stop signal (p.Gln14381*) in the TTN gene. While this is not anticipated to result in nonsense mediated decay, it is expected to create a truncated TTN protein. This variant is not present in population databases (gnomAD no frequency). This variant has not been reported in the literature in individuals affected with TTN-related conditions. ClinVar contains an entry for this variant (Variation ID: 453173). This variant is located in the I band of TTN (PMID: 25589632). Truncating variants in this region have been reported in individuals affected with autosomal recessive centronuclear myopathy (PMID: 23975875, internal data). Truncating variants in this region have also been identified in individuals affected with autosomal dominant dilated cardiomyopathy and/or cardio-related conditions (PMID: 27869827, 32964742, internal data). In summary, the currently available evidence indicates that the variant is pathogenic, but additional data are needed to prove that conclusively. Therefore, this variant has been classified as Likely Pathogenic.

Ambry Genetics
Classification: Likely pathogenic for Cardiovascular phenotype. Last evaluated: 2022-08-10. Review status: criteria provided, single submitter. Criteria: Ambry Variant Classification Scheme 2023. Collection method: clinical testing. Allele origin: germline.
Comment: The p.Q5316* variant (also known as c.15946C>T), located in coding exon 61 of the TTN gene, results from a C to T substitution at nucleotide position 15946. This changes the amino acid from a glutamine to a stop codon within coding exon 61. This exon is located in the I-band region of the N2-B isoform of the titin protein and is constitutively expressed in TTN transcripts (percent spliced in or PSI 100%). This variant is considered to be rare based on population cohorts in the Genome Aggregation Database (gnomAD). This alteration is expected to result in loss of function by premature protein truncation or nonsense-mediated mRNA decay. While truncating variants in TTN are present in 1-3% of the general population, truncating variants in the A-band are the most common cause of dilated cardiomyopathy (DCM) (Herman DS et al. N. Engl. J. Med., 2012 Feb;366:619-28; Roberts AM et al. Sci Transl Med, 2015 Jan;7:270ra6). TTN truncating variants encoded in constitutive exons (PSI >90%) have been found to be significantly associated with DCM regardless of their position in titin (Schafer S et al. Nat. Genet., 2017 01;49:46-53). Based on the majority of available evidence to date, this variant is likely to be pathogenic.

GeneDx
Classification: Uncertain significance. Last evaluated: 2017-11-06. Review status: criteria provided, single submitter. Criteria: GeneDx Variant Classification (06012015). Collection method: clinical testing. Allele origin: germline. Affected: yes.
Comment: A variant of uncertain significance has been identified in the TTN gene. The Q12740X variant has not been published as pathogenic or been reported as benign to our knowledge. This variant is not observed in large population cohorts (Lek et al., 2016). The Q12740X variant is predicted to cause loss of normal protein function either due to production of an abnormal, prematurely truncated protein, or by absence of protein product due to nonsense mediated mRNA decay. However, other truncating TTN variants have been reported in approximately 3% of control alleles and the Q12740X variant is not located in the A-band region of titin, where the majority of truncating pathogenic variants associated with DCM have been reported (Herman et al., 2012).

Literature cited by the submitters: PubMed 25589632 (cited by Labcorp Genetics (formerly Invitae), Labcorp); PubMed 23975875 (cited by Labcorp Genetics (formerly Invitae), Labcorp); PubMed 27869827 (cited by Labcorp Genetics (formerly Invitae), Labcorp); PubMed 32964742 (cited by Labcorp Genetics (formerly Invitae), Labcorp).

NM_001267550.2(TTN):c.43141C>T (p.Gln14381Ter)

Gene: TTN (titin; minus strand). Cytogenetic location: 2q31.2.
Variant type: single nucleotide variant.
Coding change: c.43141C>T on transcript NM_001267550.2 (MANE Select); coding-DNA position 43141, C replaced by T.
Protein change: p.Gln14381Ter; replaces glutamine 14381 with a stop codon.
Molecular consequence: nonsense.
Genome position (GRCh38, 1-based): chr2:178,632,990, G>A on the plus strand (C>T on the coding strand, the complement: TTN is on the minus strand). VCF-style: chr2-178632990-G-A. GRCh37 (hg19) VCF-style: chr2-179497717-G-A.
Other names: c.38218C>T, p.Gln12740Ter (NM_001256850.1); c.15946C>T, p.Gln5316Ter (NM_003319.4); c.35437C>T, p.Gln11813Ter (NM_133378.4); c.16321C>T, p.Gln5441Ter (NM_133432.3); c.16522C>T, p.Gln5508Ter (NM_133437.4); short protein forms Q12740*, Q14381*, Q5316*, Q5508*, Q5441*, Q11813*.
Identifiers: ClinVar variation 453173 (VCV000453173.17), dbSNP rs754568652, ClinGen allele CA349652181.